The following is an entry in ClinVar:

ClinVar aggregate classification (germline): Uncertain significance (1 of 4 stars; one submission).

Conditions:
Severe myoclonic epilepsy in infancy (DRVT). Also called: Dravet syndrome; Epileptic encephalopathy, early infantile, 6 (Dravet syndrome); SEVERE MYOCLONIC EPILEPSY OF INFANCY; DEVELOPMENTAL AND EPILEPTIC ENCEPHALOPATHY 6A; Severe Myoclonic Epilepsy in Infancy (SMEI). Identifiers: Orphanet 33069, MedGen C0751122, MONDO:0100135, OMIM 607208.

Allele frequency attached by ClinVar (database versions not stated): TOPMed 0.00002.
gnomAD v4.1: 11 of 1,455,810 alleles (0.00076%); highest among the groups gnomAD compares: Non-Finnish European, 0.001%; no homozygotes.

Submission:

Labcorp Genetics (formerly Invitae), Labcorp
Classification: Uncertain significance for Severe myoclonic epilepsy in infancy. Last evaluated: 2022-02-05. Review status: criteria provided, single submitter. Criteria: Invitae Variant Classification Sherloc (09022015). Collection method: clinical testing. Allele origin: germline.
Comment: This sequence change replaces histidine, which is basic and polar, with leucine, which is neutral and non-polar, at codon 80 of the SNX27 protein (p.His80Leu). In summary, the available evidence is currently insufficient to determine the role of this variant in disease. Therefore, it has been classified as a Variant of Uncertain Significance. Algorithms developed to predict the effect of missense changes on protein structure and function are either unavailable or do not agree on the potential impact of this missense change (SIFT: "Deleterious"; PolyPhen-2: "Benign"; Align-GVGD: "Class C0"). This variant has not been reported in the literature in individuals affected with SNX27-related conditions. This variant is not present in population databases (gnomAD no frequency).

NM_001330723.2(SNX27):c.239A>T (p.His80Leu)

Gene: SNX27 (sorting nexin 27; plus strand). Cytogenetic location: 1q21.3.
Variant type: single nucleotide variant.
Coding change: c.239A>T on transcript NM_001330723.2 (MANE Select); coding-DNA position 239, A replaced by T.
Protein change: p.His80Leu; replaces histidine 80 with leucine.
Molecular consequence: missense variant.
Genome position (GRCh38, 1-based): chr1:151,612,440, A>T. VCF-style: chr1-151612440-A-T. GRCh37 (hg19) VCF-style: chr1-151584916-A-T.
Other names: c.239A>T, p.His80Leu (NM_030918.6); short protein forms H80L.
Identifiers: ClinVar variation 1378775 (VCV001378775.7), dbSNP rs753540643, ClinGen allele CA30493735.